The following is an entry in ClinVar:

NM_205836.3(FBXO38):c.1159A>G (p.Ile387Val)

Gene: FBXO38 (F-box protein 38; plus strand). Cytogenetic location: 5q32.
Variant type: single nucleotide variant.
Coding change: c.1159A>G on transcript NM_205836.3 (MANE Select); coding-DNA position 1159, A replaced by G.
Protein change: p.Ile387Val; replaces isoleucine 387 with valine.
Molecular consequence: missense variant.
Genome position (GRCh38, 1-based): chr5:148,414,201, A>G. VCF-style: chr5-148414201-A-G. GRCh37 (hg19) VCF-style: chr5-147793764-A-G.
Other names: c.1159A>G, p.Ile387Val (NM_001271723.2, NM_030793.5); short protein forms I387V.
Identifiers: ClinVar variation 1064126 (VCV001064126.10), dbSNP rs1271122205, ClinGen allele CA361658700.
Genomic context (GRCh38, chr5:148,414,201, plus strand): 5'-ATGGCTAATGCGGATCTGGTGAAGTATGGTTTGGCTGATGTGGTAGAAAATCCTGGTATC[A>G]TCACTGATATAGGGATGAAAGCAGTCAATGAAGTTTTTTCCTGTATCAAATATCTGGCAA-3'
Protein context (NP_995308.1, residues 377-397): LADVVENPGI[Ile387Val]TDIGMKAVNE

ClinVar aggregate classification (germline): Uncertain significance (1 of 4 stars; one submission).

Conditions:
Distal hereditary motor neuropathy type 2. Identifiers: Orphanet 139525, MedGen C3711384, MeSH C580044, MONDO:0015352.

gnomAD v4.1: 24 of 1,612,920 alleles (0.0015%); highest among the groups gnomAD compares: Non-Finnish European, 0.002%; no homozygotes.

Submission:

Labcorp Genetics (formerly Invitae), Labcorp
Classification: Uncertain significance for Distal hereditary motor neuropathy type 2. Last evaluated: 2023-12-13. Review status: criteria provided, single submitter. Criteria: Invitae Variant Classification Sherloc (09022015). Collection method: clinical testing. Allele origin: germline.
Comment: This sequence change replaces isoleucine, which is neutral and non-polar, with valine, which is neutral and non-polar, at codon 387 of the FBXO38 protein (p.Ile387Val). This variant is not present in population databases (gnomAD no frequency). This variant has not been reported in the literature in individuals affected with FBXO38-related conditions. ClinVar contains an entry for this variant (Variation ID: 1064126). Advanced modeling of protein sequence and biophysical properties (such as structural, functional, and spatial information, amino acid conservation, physicochemical variation, residue mobility, and thermodynamic stability) performed at Invitae indicates that this missense variant is not expected to disrupt FBXO38 protein function with a negative predictive value of 80%. In summary, the available evidence is currently insufficient to determine the role of this variant in disease. Therefore, it has been classified as a Variant of Uncertain Significance.